The following is an entry in ClinVar:

ClinVar aggregate classification (germline): Uncertain significance (1 of 4 stars; one submission).

Conditions:
Cardiovascular phenotype. Identifiers: MedGen CN230736.

gnomAD v4.1: 2 of 1,614,126 alleles (0.00012%); highest among the groups gnomAD compares: Non-Finnish European, 0.00017%; no homozygotes.

Submission:

Ambry Genetics
Classification: Uncertain significance for Cardiovascular phenotype. Last evaluated: 2026-03-02. Review status: criteria provided, single submitter. Criteria: Ambry Variant Classification Scheme 2023. Collection method: clinical testing. Allele origin: germline.
Comment: The p.V2244D variant (also known as c.6731T>A), located in coding exon 49 of the ABCA1 gene, results from a T to A substitution at nucleotide position 6731. The valine at codon 2244 is replaced by aspartic acid, an amino acid with highly dissimilar properties. This amino acid position is not well conserved in available vertebrate species. In addition, the in silico prediction for this alteration is inconclusive. Based on the available evidence, the clinical significance of this variant remains unclear.

NM_005502.4(ABCA1):c.6731T>A (p.Val2244Asp)

Genes: ABCA1 (ATP binding cassette subfamily A member 1; minus strand), NIPSNAP3B (nipsnap homolog 3B; plus strand). Cytogenetic location: 9q31.1.
Variant type: single nucleotide variant.
Coding change: c.6731T>A on transcript NM_005502.4 (MANE Select); coding-DNA position 6731, T replaced by A.
Protein change: p.Val2244Asp; replaces valine 2244 with aspartic acid.
Molecular consequence: missense variant.
Genome position (GRCh38, 1-based): chr9:104,784,370, A>T on the plus strand (T>A on the coding strand, the complement: ABCA1 is on the minus strand). VCF-style: chr9-104784370-A-T. GRCh37 (hg19) VCF-style: chr9-107546651-A-T.
Other names: short protein forms V2244D.
Identifiers: ClinVar variation 4841357 (VCV004841357.1).